The following is an entry in ClinVar:

ClinVar aggregate classification (germline): Uncertain significance. Review status: criteria provided, multiple submitters, no conflicts (2 of 4 stars). 3 submissions from 3 submitters: Uncertain significance (3). Last evaluated 2026-04-28.

Conditions:
Cardiovascular phenotype. Identifiers: MedGen CN230736.
Hypertrophic cardiomyopathy 25 (CMH25). Also called: CARDIOMYOPATHY, FAMILIAL HYPERTROPHIC, 25. Identifiers: MedGen C4225408, MONDO:0011843, OMIM 607487.
Primary familial hypertrophic cardiomyopathy (HCM). Identifiers: Orphanet 99739, MedGen C0949658, MeSH D024741, MONDO:0024573. Inheritance: Various modes of inheritance.

Allele frequency attached by ClinVar (database versions not stated): ExAC 0.00004; TOPMed below 0.00001; gnomAD 0.00002.

Submissions (3):

Ambry Genetics
Classification: Uncertain significance for Cardiovascular phenotype. Last evaluated: 2026-04-28. Review status: criteria provided, single submitter. Criteria: Ambry Variant Classification Scheme 2023. Collection method: clinical testing. Allele origin: germline.
Comment: The p.R18Q variant (also known as c.53G>A), located in coding exon 1 of the TCAP gene, results from a G to A substitution at nucleotide position 53. The arginine at codon 18 is replaced by glutamine, an amino acid with highly similar properties. This amino acid position is well conserved in available vertebrate species. In addition, the in silico prediction for this alteration is inconclusive. Based on the available evidence, the clinical significance of this variant remains unclear.

Labcorp Genetics (formerly Invitae), Labcorp
Classification: Uncertain significance for Hypertrophic cardiomyopathy 25; Primary familial hypertrophic cardiomyopathy. Last evaluated: 2025-10-10. Review status: criteria provided, single submitter. Criteria: Invitae Variant Classification Sherloc (09022015). Collection method: clinical testing. Allele origin: germline.
Comment: This sequence change replaces arginine, which is basic and polar, with glutamine, which is neutral and polar, at codon 18 of the TCAP protein (p.Arg18Gln). This variant is present in population databases (rs45614536, gnomAD 0.007%). This missense change has been observed in individual(s) with idiopathic dilated cardiomyopathy (PMID: 19412328). ClinVar contains an entry for this variant (Variation ID: 239548). An algorithm developed to predict the effect of missense changes on protein structure and function (PolyPhen-2) suggests that this variant is likely to be tolerated. In summary, the available evidence is currently insufficient to determine the role of this variant in disease. Therefore, it has been classified as a Variant of Uncertain Significance.

GeneDx
Classification: Uncertain significance. Last evaluated: 2016-08-05. Review status: criteria provided, single submitter. Criteria: GeneDx Variant Classification (06012015). Collection method: clinical testing. Allele origin: germline. Affected: yes.
Comment: The R18Q variant of uncertain significance in the TCAP gene has been reported in one patient with idiopathic DCM; however, segregation and functional data was not provided (Hershberger et al., 2008). This variant has also been reported as a variant of uncertain significance by another laboratory (ClinVar SCV000287961.1; Landrum et al., 2016). The R18Q variant has not been observed at a significant frequency in large population cohorts (Lek et al., 2016; McVean et al., 2012; Exome Variant Server; Exome Aggregation Consortium). The R18Q variant is a semi-conservative amino acid substitution, which may impact secondary protein structure as these residues differ in some properties. Nevertheless, this substitution occurs at a position not conserved across species and glutamine (Q) is the wild-type amino acid at this position in at least one vertebrate species. Furthermore, in silico analysis predicts this variant likely does not alter the protein structure/function.

Literature cited by the submitters: PubMed 19412328 (cited by Labcorp Genetics (formerly Invitae), Labcorp).

NM_003673.4(TCAP):c.53G>A (p.Arg18Gln)

Gene: TCAP (titin-cap; plus strand). Cytogenetic location: 17q12.
Variant type: single nucleotide variant.
Coding change: c.53G>A on transcript NM_003673.4 (MANE Select); coding-DNA position 53, G replaced by A.
Protein change: p.Arg18Gln; replaces arginine 18 with glutamine.
Molecular consequence: missense variant.
Genome position (GRCh38, 1-based): chr17:39,665,412, G>A. VCF-style: chr17-39665412-G-A. GRCh37 (hg19) VCF-style: chr17-37821665-G-A.
Other names: short protein forms R18Q.
Identifiers: ClinVar variation 239548 (VCV000239548.12), dbSNP rs45614536, ClinGen allele CA8532826.
Genomic context (GRCh38, chr17:39,665,412, plus strand): 5'-GAGTGATCATGGCTACCTCAGAGCTGAGCTGCGAGGTGTCGGAGGAGAACTGTGAGCGCC[G>A]GGAGGCCTTCTGGGCAGAATGGAAGGATCTGACACTGTCCACACGGCCCGAGGAGGGGTG-3'
Protein context (NP_003664.1, residues 8-28): CEVSEENCER[Arg18Gln]EAFWAEWKDL